The following is an entry in ClinVar:

NM_001371986.1(UNC80):c.4532G>A (p.Ser1511Asn)

Gene: UNC80 (unc-80 subunit of NALCN channel complex; plus strand). Cytogenetic location: 2q34.
Variant type: single nucleotide variant.
Coding change: c.4532G>A on transcript NM_001371986.1 (MANE Select); coding-DNA position 4532, G replaced by A.
Protein change: p.Ser1511Asn; replaces serine 1511 with asparagine.
Molecular consequence: missense variant.
Genome position (GRCh38, 1-based): chr2:209,896,364, G>A. VCF-style: chr2-209896364-G-A. GRCh37 (hg19) VCF-style: chr2-210761088-G-A.
Other names: c.4334G>A, p.Ser1445Asn (NM_032504.2); c.4319G>A, p.Ser1440Asn (NM_182587.4); short protein forms S1440N, S1511N, S1445N.
Identifiers: ClinVar variation 2009704 (VCV002009704.4), dbSNP rs2471089728, ClinGen allele CA350752062.
Genomic context (GRCh38, chr2:209,896,364, plus strand): 5'-CTTTTGAAGAAGGGAGTCCTTGGAGTGCAAGCGAGCCCAGCATTGAGCCAGAGGGAATGA[G>A]TAATGCCGGCGCGGAGGAGAATTACCACAGAAACATGTCGTGGCTTCATGTAAGTAGGAA-3'
Protein context (NP_001358915.1, residues 1501-1521): SEPSIEPEGM[Ser1511Asn]NAGAEENYHR

ClinVar aggregate classification (germline): Uncertain significance (1 of 4 stars; one submission).

Submission:

Labcorp Genetics (formerly Invitae), Labcorp
Classification: Uncertain significance. Last evaluated: 2024-11-18. Review status: criteria provided, single submitter. Criteria: Invitae Variant Classification Sherloc (09022015). Collection method: clinical testing. Allele origin: germline.
Comment: This sequence change replaces serine, which is neutral and polar, with asparagine, which is neutral and polar, at codon 1445 of the UNC80 protein (p.Ser1445Asn). This variant is not present in population databases (gnomAD no frequency). This variant has not been reported in the literature in individuals affected with UNC80-related conditions. ClinVar contains an entry for this variant (Variation ID: 2009704). Invitae Evidence Modeling of protein sequence and biophysical properties (such as structural, functional, and spatial information, amino acid conservation, physicochemical variation, residue mobility, and thermodynamic stability) indicates that this missense variant is not expected to disrupt UNC80 protein function with a negative predictive value of 80%. In summary, the available evidence is currently insufficient to determine the role of this variant in disease. Therefore, it has been classified as a Variant of Uncertain Significance.